The following is an entry in ClinVar:

NM_002463.2(MX2):c.2049T>C (p.Ser683=)

Gene: MX2 (MX dynamin like GTPase 2; plus strand). Cytogenetic location: 21q22.3.
Variant type: single nucleotide variant.
Coding change: c.2049T>C on transcript NM_002463.2 (MANE Select); coding-DNA position 2049, T replaced by C.
Protein change: p.Ser683=; no amino-acid change (serine 683 retained).
Molecular consequence: synonymous variant.
Genome position (GRCh38, 1-based): chr21:41,408,134, T>C. VCF-style: chr21-41408134-T-C. GRCh37 (hg19) VCF-style: chr21-42780061-T-C.
Identifiers: ClinVar variation 2652679 (VCV002652679.24), dbSNP rs761593917, ClinGen allele CA10033521.

ClinVar aggregate classification (germline): Likely benign (1 of 4 stars; one submission).

Allele frequency attached by ClinVar (database versions not stated): gnomAD exomes below 0.00001; ExAC 0.00001.
gnomAD v4.1: 2 of 1,614,002 alleles (0.00012%); highest among the groups gnomAD compares: South Asian, 0.0011%; no homozygotes.

Submission:

CeGaT Center for Human Genetics Tuebingen
Classification: Likely benign. Last evaluated: 2022-03-01. Review status: criteria provided, single submitter. Criteria: CeGaT Center For Human Genetics Tuebingen Variant Classification Criteria Version 2. Collection method: clinical testing. Allele origin: germline. Affected: yes. Observed: 1 variant allele.
Comment: MX2: BP4, BP7